The following is an entry in ClinVar:

NM_006790.3(MYOT):c.17G>A (p.Arg6His)

Genes: PKD2L2-DT (PKD2L2 divergent transcript; minus strand), MYOT (myotilin; plus strand). Cytogenetic location: 5q31.2.
Variant type: single nucleotide variant.
Coding change: c.17G>A on transcript NM_006790.3 (MANE Select); coding-DNA position 17, G replaced by A.
Protein change: p.Arg6His; replaces arginine 6 with histidine.
Molecular consequence: missense variant. On other transcripts: intron variant (2).
Genome position (GRCh38, 1-based): chr5:137,870,668, G>A. VCF-style: chr5-137870668-G-A. GRCh37 (hg19) VCF-style: chr5-137206357-G-A.
Other names: c.-121+143G>A (NM_001300911.2); c.-197+143G>A (NM_001135940.2); short protein forms R6H.
Identifiers: ClinVar variation 30407 (VCV000030407.13), dbSNP rs387906882, ClinGen allele CA259801.

ClinVar aggregate classification (germline): Conflicting classifications of pathogenicity. Review status: criteria provided, conflicting classifications (1 of 4 stars). 4 submissions from 4 submitters: Likely pathogenic (1); Uncertain significance (2). 1 of the submissions does not count toward it. Last evaluated 2025-01-29.

Conditions:
Myofibrillar myopathy 3 (MFM3). Also called: Muscular dystrophy, proximal, type 1A; Autosomal dominant spheroid body myopathy. Identifiers: Orphanet 266, Orphanet 268129, MedGen C3714934, MONDO:0012215, OMIM 609200.

Allele frequency attached by ClinVar (database versions not stated): gnomAD 0.00003; gnomAD exomes 0.00003 and 0.00004; TOPMed 0.00003; ExAC 0.00004.
gnomAD v4.1: 49 of 1,613,856 alleles (0.003%); highest among the groups gnomAD compares: Middle Eastern, 0.016%; no homozygotes.

Submissions (4):

GeneDx
Classification: Likely pathogenic. Last evaluated: 2025-01-29. Review status: criteria provided, single submitter. Criteria: GeneDx Variant Classification Process June 2021. Collection method: clinical testing. Allele origin: germline. Affected: yes.
Comment: Reported previously in an individual with late-onset progressive limb-girdle muscle weakness and respiratory insufficiency (PMID: 21336781); Missense variants in this gene are a common cause of disease and they are underrepresented in the general population; In silico analysis supports that this missense variant has a deleterious effect on protein structure/function; This variant is associated with the following publications: (PMID: 24928145, 20301582, 34426522, 21336781, 22349301)

Labcorp Genetics (formerly Invitae), Labcorp
Classification: Uncertain significance for Myofibrillar myopathy 3. Last evaluated: 2022-11-22. Review status: criteria provided, single submitter. Criteria: Invitae Variant Classification Sherloc (09022015). Collection method: clinical testing. Allele origin: germline.
Comment: In summary, the available evidence is currently insufficient to determine the role of this variant in disease. Therefore, it has been classified as a Variant of Uncertain Significance. Algorithms developed to predict the effect of missense changes on protein structure and function are either unavailable or do not agree on the potential impact of this missense change (SIFT: "Deleterious"; PolyPhen-2: "Probably Damaging"; Align-GVGD: "Class C0"). ClinVar contains an entry for this variant (Variation ID: 30407). This missense change has been observed in individual(s) with limb-girdle muscular dystrophy (PMID: 21336781). This variant is present in population databases (rs387906882, gnomAD 0.007%). This sequence change replaces arginine, which is basic and polar, with histidine, which is basic and polar, at codon 6 of the MYOT protein (p.Arg6His).

Revvity Omics, Revvity
Classification: Uncertain significance for Myofibrillar myopathy 3. Last evaluated: 2019-04-03. Review status: criteria provided, single submitter. Criteria: ACMG Guidelines, 2015. Collection method: clinical testing. Allele origin: germline.

OMIM
Classification: Pathogenic for MYOPATHY, MYOFIBRILLAR, 3. Last evaluated: 2011-08-01. Review status: no assertion criteria provided. Collection method: literature only. Allele origin: germline. Not counted in ClinVar's aggregate classification.

Literature cited by the submitters: PubMed 21336781 (cited by Labcorp Genetics (formerly Invitae), Labcorp and OMIM); PubMed 30055862 (cited by OMIM).